The following is an entry in ClinVar:

ClinVar aggregate classification (germline): Uncertain significance (1 of 4 stars; one submission).

Allele frequency attached by ClinVar (database versions not stated): TOPMed below 0.00001; gnomAD 0.00001; gnomAD exomes 0.00001.
gnomAD v4.1: 12 of 1,613,088 alleles (0.00074%); highest among the groups gnomAD compares: Non-Finnish European, 0.001%; no homozygotes.

Submission:

Laboratory for Molecular Medicine, Mass General Brigham Personalized Medicine
Classification: Uncertain significance. Last evaluated: 2016-06-07. Review status: criteria provided, single submitter. Criteria: LMM Criteria. Collection method: clinical testing. Allele origin: germline. Observed: 1 variant allele.
Comment: The p.Ala1229Val variant in LTBP4 has not been previously reported in individual s with pulmonary disease or in large population studies. Computational predictio n tools and conservation analysis do not provide strong support for or against a n impact to the protein. This variant affects the first base of the exon. Varia nts at this position sometimes impact splicing; however, no such effect is predi cted by computational tools (this information is not predictive enough to determ ine pathogenicity). In summary, the clinical significance of the p.Ala1229Val va riant is uncertain.

NM_001042545.2(LTBP4):c.3485C>T (p.Ala1162Val)

Gene: LTBP4 (latent transforming growth factor beta binding protein 4; plus strand). Cytogenetic location: 19q13.2.
Variant type: single nucleotide variant.
Coding change: c.3485C>T on transcript NM_001042545.2 (MANE Select); coding-DNA position 3485, C replaced by T.
Protein change: p.Ala1162Val; replaces alanine 1162 with valine.
Molecular consequence: missense variant.
Genome position (GRCh38, 1-based): chr19:40,622,950, C>T. VCF-style: chr19-40622950-C-T. GRCh37 (hg19) VCF-style: chr19-41128855-C-T.
Other names: c.3686C>T, p.Ala1229Val (NM_001042544.1); c.3575C>T, p.Ala1192Val (NM_003573.2); short protein forms A1162V, A1192V, A1229V.
Identifiers: ClinVar variation 505091 (VCV000505091.4), dbSNP rs1555741927, ClinGen allele CA405907193.
Genomic context (GRCh38, chr19:40,622,950, plus strand): 5'-GCAGGTCAGGGCTGGGGCTGGGGCTCTGGTGTCCTGGCTCAGGCTTGTCTCTGTGTGTAG[C>T]TGAGTACCAGTCATTGTGCCCTCACGGCCGGGGCTACCTGGCGCCCAGTGGAGACCTGAG-3'
Protein context (NP_001036010.1, residues 1152-1172): RIQQCPGTET[Ala1162Val]EYQSLCPHGR